The following is an entry in ClinVar:

ClinVar aggregate classification (germline): Uncertain significance (1 of 4 stars; one submission).

Conditions:
Brugada syndrome 8 (BRGDA8). Identifiers: Orphanet 130, MedGen C2751083, MONDO:0013148, OMIM 613123.

Allele frequency attached by ClinVar (database versions not stated): gnomAD exomes below 0.00001.
gnomAD v4.1: 1 of 1,384,288 alleles (0.000072%); highest among the groups gnomAD compares: South Asian, 0.0017%; no homozygotes.

Submission:

Labcorp Genetics (formerly Invitae), Labcorp
Classification: Uncertain significance for Brugada syndrome 8. Last evaluated: 2019-06-07. Review status: criteria provided, single submitter. Criteria: Invitae Variant Classification Sherloc (09022015). Collection method: clinical testing. Allele origin: germline.
Comment: In summary, the available evidence is currently insufficient to determine the role of this variant in disease. Therefore, it has been classified as a Variant of Uncertain Significance. This variant has not been reported in the literature in individuals with HCN4-related conditions. The frequency data for this variant in the population databases is considered unreliable, as metrics indicate insufficient coverage at this position in the ExAC database. This sequence change replaces aspartic acid with glycine at codon 124 of the HCN4 protein (p.Asp124Gly). The aspartic acid residue is moderately conserved and there is a moderate physicochemical difference between aspartic acid and glycine.

NM_005477.3(HCN4):c.371A>G (p.Asp124Gly)

Gene: HCN4 (hyperpolarization activated cyclic nucleotide gated potassium channel 4; minus strand). Cytogenetic location: 15q24.1.
Variant type: single nucleotide variant.
Coding change: c.371A>G on transcript NM_005477.3 (MANE Select); coding-DNA position 371, A replaced by G.
Protein change: p.Asp124Gly; replaces aspartic acid 124 with glycine.
Molecular consequence: missense variant.
Genome position (GRCh38, 1-based): chr15:73,367,900, T>C on the plus strand (A>G on the coding strand, the complement: HCN4 is on the minus strand). VCF-style: chr15-73367900-T-C. GRCh37 (hg19) VCF-style: chr15-73660241-T-C.
Other names: short protein forms D124G.
Identifiers: ClinVar variation 937688 (VCV000937688.9), dbSNP rs2043136534, ClinGen allele CA393098233.